The following is an entry in ClinVar:

NM_173598.6(KSR2):c.2846+4G>A

Gene: KSR2 (kinase suppressor of ras 2; minus strand). Cytogenetic location: 12q24.22.
Variant type: single nucleotide variant.
Coding change: c.2846+4G>A on transcript NM_173598.6 (MANE Select); 4 bases into the intron after coding-DNA position 2846, G replaced by A.
Molecular consequence: intron variant.
Genome position (GRCh38, 1-based): chr12:117,469,658, C>T on the plus strand (G>A on the coding strand, the complement: KSR2 is on the minus strand). VCF-style: chr12-117469658-C-T. GRCh37 (hg19) VCF-style: chr12-117907463-C-T.
Identifiers: ClinVar variation 4988163 (VCV004988163.1).

ClinVar aggregate classification (germline): Likely benign (1 of 4 stars; one submission).

Conditions:
KSR2-related disorder. Also called: KSR2-related condition.

gnomAD v4.1: 3 of 1,611,816 alleles (0.00019%); highest among the groups gnomAD compares: African/African-American, 0.0027%; no homozygotes.

Submission:

PreventionGenetics, part of Exact Sciences
Classification: Likely benign for KSR2-related condition. Last evaluated: 2025-05-26. Review status: criteria provided, single submitter. Criteria: ACMG Guidelines, 2015. Collection method: clinical testing. Allele origin: germline.
Comment: This variant is classified as likely benign based on ACMG/AMP sequence variant interpretation guidelines (Richards et al. 2015 PMID: 25741868, with internal and published modifications).